The following is an entry in ClinVar:

ClinVar aggregate classification (germline): Uncertain significance. Review status: criteria provided, multiple submitters, no conflicts (2 of 4 stars). 4 submissions from 4 submitters: Uncertain significance (4). Last evaluated 2025-09-26.

Conditions:
Factor I deficiency (CFID). Also called: Complement factor I deficiency. Identifiers: Orphanet 200418, MedGen C3463916, MONDO:0012594, OMIM 610984.
Atypical hemolytic-uremic syndrome with I factor anomaly. Also called: HEMOLYTIC UREMIC SYNDROME, ATYPICAL, SUSCEPTIBILITY TO, 3; AHUS, SUSCEPTIBILITY TO, 3. Identifiers: Orphanet 2134, MedGen C2752039, MONDO:0013041, OMIM 612923.
Age related macular degeneration 13. Identifiers: MedGen C3809523, MONDO:0014189, OMIM 615439.
CFI-related disorder. Also called: CFI-related condition; CFI-related disorders. Identifiers: MedGen CN239325.
Atypical hemolytic-uremic syndrome. Identifiers: Orphanet 2134, MedGen C2931788, MONDO:0016244.

Allele frequency attached by ClinVar (database versions not stated): gnomAD exomes 0.00001 and 0.00003; gnomAD 0.00002; TOPMed 0.00002.
gnomAD v4.1: 53 of 1,613,922 alleles (0.0033%); highest among the groups gnomAD compares: Non-Finnish European, 0.0041%; no homozygotes.

Submissions (4):

Genomenon, Inc
Classification: Uncertain significance for CFI-related disorder. Last evaluated: 2025-09-26. Review status: criteria provided, single submitter. Criteria: Genomenon Sequence Variant Interpretation Standards - Updated. Collection method: curation. Allele origin: germline. Affected: no.
Comment: CFI p.Val355Met (c.1063G>A) is a missense variant that changes the amino acid at residue 355 from Valine to Methionine. To our knowledge, this variant has not been reported in patients affected with CFI-related disorders in the published literature. Functional studies have been reported; however, the significance of the findings remain unclear (PMID:32510551). It is absent or not present at a significant frequency in gnomAD. In silico models agree that this variant is possibly or probably damaging. In conclusion, we classify CFI p.Val355Met (c.1063G>A) as a variant of unknown significance.

Labcorp Genetics (formerly Invitae), Labcorp
Classification: Uncertain significance. Last evaluated: 2022-07-21. Review status: criteria provided, single submitter. Criteria: Invitae Variant Classification Sherloc (09022015). Collection method: clinical testing. Allele origin: germline.
Comment: In summary, the available evidence is currently insufficient to determine the role of this variant in disease. Therefore, it has been classified as a Variant of Uncertain Significance. Advanced modeling of protein sequence and biophysical properties (such as structural, functional, and spatial information, amino acid conservation, physicochemical variation, residue mobility, and thermodynamic stability) performed at Invitae indicates that this missense variant is not expected to disrupt CFI protein function. ClinVar contains an entry for this variant (Variation ID: 1379012). This variant has not been reported in the literature in individuals affected with CFI-related conditions. This variant is present in population databases (no rsID available, gnomAD 0.002%). This sequence change replaces valine, which is neutral and non-polar, with methionine, which is neutral and non-polar, at codon 355 of the CFI protein (p.Val355Met).

Fulgent Genetics
Classification: Uncertain significance for Factor I deficiency; Atypical hemolytic-uremic syndrome with I factor anomaly; Age related macular degeneration 13. Last evaluated: 2022-04-10. Review status: criteria provided, single submitter. Criteria: ACMG Guidelines, 2015. Collection method: clinical testing. Allele origin: unknown.

Genome Diagnostics Laboratory, The Hospital for Sick Children
Classification: Uncertain significance for Atypical hemolytic-uremic syndrome. Last evaluated: 2019-12-01. Review status: criteria provided, single submitter. Criteria: ACMG Guidelines, 2015. Collection method: clinical testing. Allele origin: germline.

Literature cited by the submitters: PubMed 32510551 (cited by Genomenon, Inc).

NM_000204.5(CFI):c.1063G>A (p.Val355Met)

Gene: CFI (complement factor I; minus strand). Cytogenetic location: 4q25.
Variant type: single nucleotide variant.
Coding change: c.1063G>A on transcript NM_000204.5 (MANE Select); coding-DNA position 1063, G replaced by A.
Protein change: p.Val355Met; replaces valine 355 with methionine.
Molecular consequence: missense variant. On other transcripts: non-coding transcript variant (3).
Genome position (GRCh38, 1-based): chr4:109,749,303, C>T on the plus strand (G>A on the coding strand, the complement: CFI is on the minus strand). VCF-style: chr4-109749303-C-T. GRCh37 (hg19) VCF-style: chr4-110670459-C-T.
Other names: c.1087G>A, p.Val363Met (NM_001318057.2, NM_001375278.1); c.1042G>A, p.Val348Met (NM_001331035.2, NM_001375280.1, NM_001375282.1); c.1063G>A, p.Val355Met (NM_001375279.1, NM_001375281.1); c.1006G>A, p.Val336Met (NM_001375283.1); c.454G>A, p.Val152Met (NM_001375284.1); short protein forms V336M, V355M, V363M, V348M, V152M.
Identifiers: ClinVar variation 1379012 (VCV001379012.10), dbSNP rs1250103299, ClinGen allele CA357858844.